The following is an entry in ClinVar:

NC_000007.14:g.107660808G>A

Genes: SLC26A4 (solute carrier family 26 member 4; plus strand), SLC26A4-AS1 (SLC26A4 antisense RNA 1; minus strand). Cytogenetic location: 7q22.3.
Variant type: single nucleotide variant.
Genome position: GRCh38 VCF-style: chr7-107660808-G-A. GRCh37 (hg19) VCF-style: chr7-107301253-G-A.
Identifiers: ClinVar variation 1691740 (VCV001691740.4), dbSNP rs895608913, ClinGen allele CA164206245.

ClinVar aggregate classification (germline): Uncertain significance (1 of 4 stars; one submission).

Allele frequency attached by ClinVar (database versions not stated): gnomAD 0.00016 and 0.00017; 1000 Genomes Project 30x 0.00031; TOPMed 0.00022.

Submission:

GeneDx
Classification: Uncertain significance. Last evaluated: 2026-02-03. Review status: criteria provided, single submitter. Criteria: GeneDx Variant Classification Process June 2021. Collection method: clinical testing. Allele origin: germline. Affected: yes.
Comment: Nucleotide substitution has no predicted effect on splicing and is not conserved across species; Has not been previously published as pathogenic or benign to our knowledge; Located in a regulatory region; in the absence of functional studies, the actual effect of this sequence change is unknown